The following is an entry in ClinVar:

ClinVar aggregate classification (germline): Uncertain significance (1 of 4 stars; one submission).

Conditions:
Hereditary cancer-predisposing syndrome. Also called: Tumor predisposition; Hereditary neoplastic syndrome; Neoplastic Syndromes, Hereditary; Hereditary Cancer Syndrome. Identifiers: Orphanet 140162, MedGen C0027672, MeSH D009386, MONDO:0015356.

Submission:

Ambry Genetics
Classification: Uncertain significance for Hereditary cancer-predisposing syndrome. Last evaluated: 2025-05-29. Review status: criteria provided, single submitter. Criteria: Ambry Variant Classification Scheme 2023. Collection method: clinical testing. Allele origin: germline.
Comment: The p.I232N variant (also known as c.695T>A), located in coding exon 7 of the FANCC gene, results from a T to A substitution at nucleotide position 695. The isoleucine at codon 232 is replaced by asparagine, an amino acid with dissimilar properties. This amino acid position is conserved. In addition, the in silico prediction for this alteration is inconclusive. Based on the available evidence, the clinical significance of this variant remains unclear.

NM_000136.3(FANCC):c.695T>A (p.Ile232Asn)

Genes: AOPEP (aminopeptidase O (putative); plus strand), FANCC (FA complementation group C; minus strand). Cytogenetic location: 9q22.32.
Variant type: single nucleotide variant.
Coding change: c.695T>A on transcript NM_000136.3 (MANE Select); coding-DNA position 695, T replaced by A.
Protein change: p.Ile232Asn; replaces isoleucine 232 with asparagine.
Molecular consequence: missense variant.
Genome position (GRCh38, 1-based): chr9:95,135,494, A>T on the plus strand (T>A on the coding strand, the complement: FANCC is on the minus strand). VCF-style: chr9-95135494-A-T. GRCh37 (hg19) VCF-style: chr9-97897776-A-T.
Other names: c.695T>A, p.Ile232Asn (NM_001243743.2, NM_001243744.2); short protein forms I232N.
Identifiers: ClinVar variation 4022430 (VCV004022430.1).
Genomic context (GRCh38, chr9:95,135,494, plus strand): 5'-TTTTCAAGGCTGGGAAGGTGCCGAAGCCAGAGGCAGACTACAGCTGACATGGGGAGAGAA[A>T]TCTTCTTCCTTTCAGAAAGAAATAAACAAAATTTTAAACAGAAATGGCTCACTGAAAAAA-3'
Protein context (NP_000127.2, residues 222-242): AVNEAILLKK[Ile232Asn]SLPMSAVVCL